The following is an entry in ClinVar:

ClinVar aggregate classification (germline): Uncertain significance (1 of 4 stars; one submission).

Conditions:
Catecholaminergic polymorphic ventricular tachycardia (CVPT). Also called: Catecholamine-induced polymorphic ventricular tachycardia. Identifiers: Orphanet 3286, MedGen C5574922, MONDO:0017990.

Submission:

All of Us Research Program, National Institutes of Health
Classification: Uncertain significance for Catecholaminergic polymorphic ventricular tachycardia. Last evaluated: 2023-06-26. Review status: criteria provided, single submitter. Criteria: ACMG Guidelines, 2015. Collection method: clinical testing. Allele origin: germline. Inheritance: Autosomal dominant inheritance. Observed: 1 variant allele, 1 heterozygote.
Comment: This variant is located in the RYR2 protein. To our knowledge, functional studies have not been reported for this variant. This variant has not been reported in individuals affected with RYR2-related disorders in the literature. This variant has not been identified in the general population by the Genome Aggregation Database (gnomAD). The available evidence is insufficient to determine the role of this variant in disease conclusively. Therefore, this variant is classified as a Variant of Uncertain Significance.

This study involves interpretation of variants in research participants for the purpose of population health screening. Participant phenotype was not available at the time of variant classification. Additional details can be found in publication PMID: 35346344, PMCID: PMC8962531

NM_001035.3(RYR2):c.12102A>G (p.Glu4034=)

Gene: RYR2 (ryanodine receptor 2; plus strand). Cytogenetic location: 1q43.
Variant type: single nucleotide variant.
Coding change: c.12102A>G on transcript NM_001035.3 (MANE Select); coding-DNA position 12102, A replaced by G.
Protein change: p.Glu4034=; no amino-acid change (glutamic acid 4034 retained).
Molecular consequence: synonymous variant.
Genome position (GRCh38, 1-based): chr1:237,783,814, A>G. VCF-style: chr1-237783814-A-G. GRCh37 (hg19) VCF-style: chr1-237947114-A-G.
Identifiers: ClinVar variation 3072188 (VCV003072188.1), dbSNP rs1695323102, ClinGen allele CA424031877.